The following is an entry in ClinVar:

ClinVar aggregate classification (germline): Uncertain significance. Review status: criteria provided, multiple submitters, no conflicts (2 of 4 stars). 2 submissions from 2 submitters: Uncertain significance (2). Last evaluated 2024-01-15.

Conditions:
Inborn genetic diseases. Identifiers: MedGen C0950123, MeSH D030342.

Allele frequency attached by ClinVar (database versions not stated): TOPMed 0.00001; ExAC 0.00002; gnomAD 0.00004; gnomAD exomes 0.00006; ESP Exome Variant Server 0.00008.
gnomAD v4.1: 95 of 1,613,798 alleles (0.0059%); highest among the groups gnomAD compares: East Asian, 0.21%; no homozygotes.

Submissions (2):

Labcorp Genetics (formerly Invitae), Labcorp
Classification: Uncertain significance. Last evaluated: 2024-01-15. Review status: criteria provided, single submitter. Criteria: Invitae Variant Classification Sherloc (09022015). Collection method: clinical testing. Allele origin: germline.
Comment: This sequence change replaces proline, which is neutral and non-polar, with leucine, which is neutral and non-polar, at codon 1151 of the PCLO protein (p.Pro1151Leu). This variant is present in population databases (rs377695922, gnomAD 0.01%). This variant has not been reported in the literature in individuals affected with PCLO-related conditions. ClinVar contains an entry for this variant (Variation ID: 2148248). Experimental studies and prediction algorithms are not available or were not evaluated, and the functional significance of this variant is currently unknown. In summary, the available evidence is currently insufficient to determine the role of this variant in disease. Therefore, it has been classified as a Variant of Uncertain Significance.

Ambry Genetics
Classification: Uncertain significance for Inborn genetic diseases. Last evaluated: 2023-12-20. Review status: criteria provided, single submitter. Criteria: Ambry Variant Classification Scheme 2023. Collection method: clinical testing. Allele origin: germline.

NM_033026.6(PCLO):c.3452C>T (p.Pro1151Leu)

Gene: PCLO (piccolo presynaptic cytomatrix protein; minus strand). Cytogenetic location: 7q21.11.
Variant type: single nucleotide variant.
Coding change: c.3452C>T on transcript NM_033026.6 (MANE Select); coding-DNA position 3452, C replaced by T.
Protein change: p.Pro1151Leu; replaces proline 1151 with leucine.
Molecular consequence: missense variant.
Genome position (GRCh38, 1-based): chr7:82,966,336, G>A on the plus strand (C>T on the coding strand, the complement: PCLO is on the minus strand). VCF-style: chr7-82966336-G-A. GRCh37 (hg19) VCF-style: chr7-82595652-G-A.
Other names: c.3452C>T (NM_033026.5); c.3452C>T, p.Pro1151Leu (NM_014510.3); short protein forms P1151L.
Identifiers: ClinVar variation 2148248 (VCV002148248.5), dbSNP rs377695922, ClinGen allele CA4321035.